The following is an entry in ClinVar:

NM_001127222.2(CACNA1A):c.5037T>G (p.Ile1679Met)

Gene: CACNA1A (calcium voltage-gated channel subunit alpha1 A; minus strand). Cytogenetic location: 19p13.13.
Variant type: single nucleotide variant.
Coding change: c.5037T>G on transcript NM_001127222.2 (MANE Select); coding-DNA position 5037, T replaced by G.
Protein change: p.Ile1679Met; replaces isoleucine 1679 with methionine.
Molecular consequence: missense variant.
Genome position (GRCh38, 1-based): chr19:13,235,644, A>C on the plus strand (T>G on the coding strand, the complement: CACNA1A is on the minus strand). VCF-style: chr19-13235644-A-C. GRCh37 (hg19) VCF-style: chr19-13346458-A-C.
Other names: c.5055T>G, p.Ile1685Met (NM_000068.4, NM_023035.3); c.5040T>G, p.Ile1680Met (NM_001127221.2); c.5046T>G, p.Ile1682Met (NM_001174080.2); short protein forms I1679M, I1680M, I1682M, I1685M.
Identifiers: ClinVar variation 3754154 (VCV003754154.2).

ClinVar aggregate classification (germline): Uncertain significance (1 of 4 stars; one submission).

Conditions:
Episodic ataxia type 2 (EA2). Also called: ATAXIA, EPISODIC, WITH NYSTAGMUS; ATAXIA, FAMILIAL PAROXYSMAL; ACETAZOLAMIDE-RESPONSIVE HEREDITARY PAROXYSMAL CEREBELLAR ATAXIA; CEREBELLAR ATAXIA, PAROXYSMAL, ACETAZOLAMIDE-RESPONSIVE; CEREBELLOPATHY, HEREDITARY PAROXYSMAL; EPISODIC ATAXIA, NYSTAGMUS-ASSOCIATED. Identifiers: Orphanet 97, MedGen C1720416, MONDO:0007163, OMIM 108500.
Developmental and epileptic encephalopathy, 42 (DEE42A). Also called: Epileptic encephalopathy, early infantile, 42; DEVELOPMENTAL AND EPILEPTIC ENCEPHALOPATHY 42A; EPILEPTIC ENCEPHALOPATHY, EARLY INFANTILE, 42A. Identifiers: MedGen C4310716, MONDO:0014917, OMIM 617106.

Submission:

Labcorp Genetics (formerly Invitae), Labcorp
Classification: Uncertain significance for Developmental and epileptic encephalopathy, 42; Episodic ataxia type 2. Last evaluated: 2024-06-05. Review status: criteria provided, single submitter. Criteria: Invitae Variant Classification Sherloc (09022015). Collection method: clinical testing. Allele origin: germline.
Comment: This sequence change replaces isoleucine, which is neutral and non-polar, with methionine, which is neutral and non-polar, at codon 1680 of the CACNA1A protein (p.Ile1680Met). This variant is not present in population databases (gnomAD no frequency). This variant has not been reported in the literature in individuals affected with CACNA1A-related conditions. Advanced modeling of protein sequence and biophysical properties (such as structural, functional, and spatial information, amino acid conservation, physicochemical variation, residue mobility, and thermodynamic stability) performed at Invitae indicates that this missense variant is not expected to disrupt CACNA1A protein function with a negative predictive value of 95%. In summary, the available evidence is currently insufficient to determine the role of this variant in disease. Therefore, it has been classified as a Variant of Uncertain Significance.